The following is an entry in ClinVar:

ClinVar aggregate classification (germline): Uncertain significance (1 of 4 stars; one submission).

Allele frequency attached by ClinVar (database versions not stated): ESP Exome Variant Server 0.00008.
gnomAD v4.1: 113 of 1,614,096 alleles (0.007%); highest among the groups gnomAD compares: Middle Eastern, 0.033%; no homozygotes.

Submission:

GeneDx
Classification: Uncertain significance. Last evaluated: 2023-11-08. Review status: criteria provided, single submitter. Criteria: GeneDx Variant Classification Process June 2021. Collection method: clinical testing. Allele origin: germline. Affected: yes.
Comment: In silico analysis supports that this missense variant does not alter protein structure/function; Has not been previously published as pathogenic or benign to our knowledge

NM_015202.5(KATNIP):c.842G>C (p.Arg281Pro)

Gene: KATNIP (katanin interacting protein; plus strand). Cytogenetic location: 16p12.1.
Variant type: single nucleotide variant.
Coding change: c.842G>C on transcript NM_015202.5 (MANE Select); coding-DNA position 842, G replaced by C.
Protein change: p.Arg281Pro; replaces arginine 281 with proline.
Molecular consequence: missense variant.
Genome position (GRCh38, 1-based): chr16:27,681,432, G>C. VCF-style: chr16-27681432-G-C. GRCh37 (hg19) VCF-style: chr16-27692753-G-C.
Other names: short protein forms R281P.
Identifiers: ClinVar variation 2575816 (VCV002575816.2), dbSNP rs200897168, ClinGen allele CA7977474.